The following is an entry in ClinVar:

ClinVar aggregate classification (germline): no classifications from unflagged records (0 of 4 stars; one submission).

Conditions:
Autosomal dominant slowed nerve conduction velocity. Identifiers: Orphanet 140481, MedGen C1842357, MONDO:0011998, OMIM 608236.

Allele frequency attached by ClinVar (database versions not stated): gnomAD exomes below 0.00001.
gnomAD v4.1: 1 of 1,556,230 alleles (0.000064%); highest among the groups gnomAD compares: Non-Finnish European, 0.000087%; no homozygotes.

Submission:

OMIM
Classification: Pathogenic for SLOWED NERVE CONDUCTION VELOCITY, AUTOSOMAL DOMINANT (1 family). Last evaluated: 2011-08-26. Review status: flagged submission. Collection method: literature only. Allele origin: germline.
ClinVar note: Notes: Flagging candidate with reason of insufficient supporting evidence. This gene has been classified as having a limited gene-disease relationship by a ClinGen Expert Panel.
ClinVar note: Reason: Other

Literature cited by the submitters: PubMed 21719701; PubMed 9678704; PubMed 14508709.

NM_014629.4(ARHGEF10):c.995C>T (p.Thr332Ile)

Gene: ARHGEF10 (Rho guanine nucleotide exchange factor 10; plus strand). Cytogenetic location: 8p23.3.
Variant type: single nucleotide variant.
Coding change: c.995C>T on transcript NM_014629.4 (MANE Select); coding-DNA position 995, C replaced by T.
Protein change: p.Thr332Ile; replaces threonine 332 with isoleucine.
Molecular consequence: missense variant.
Genome position (GRCh38, 1-based): chr8:1,882,669, C>T. VCF-style: chr8-1882669-C-T. GRCh37 (hg19) VCF-style: chr8-1830835-C-T.
Other names: ARHGEF10, THR332ILE (rs28940281); c.881C>T, p.Thr294Ile (NM_001308152.2); c.998C>T, p.Thr333Ile (NM_001308153.3); short protein forms T332I, T294I, T357I, T333I.
Identifiers: ClinVar variation 2526 (VCV000002526.2), dbSNP rs28940281, ClinGen allele CA115598.